The following is an entry in ClinVar:

ClinVar aggregate classification (germline): Likely pathogenic (1 of 4 stars; one submission).

Submission:

Labcorp Genetics (formerly Invitae), Labcorp
Classification: Likely pathogenic. Last evaluated: 2024-04-10. Review status: criteria provided, single submitter. Criteria: Invitae Variant Classification Sherloc (09022015). Collection method: clinical testing. Allele origin: germline.
Comment: This sequence change replaces glycine, which is neutral and non-polar, with arginine, which is basic and polar, at codon 1139 of the COL4A1 protein (p.Gly1139Arg). This variant is not present in population databases (gnomAD no frequency). This variant has not been reported in the literature in individuals affected with COL4A1-related conditions. An algorithm developed to predict the effect of missense changes on protein structure and function (PolyPhen-2) suggests that this variant is likely to be disruptive. Algorithms developed to predict the effect of sequence changes on RNA splicing suggest that this variant may create or strengthen a splice site. This variant disrupts the triple helix domain of COL4A1. Glycine residues within the Gly-Xaa-Yaa repeats of the triple helix domain are required for the structure and stability of fibrillar collagens (PMID: 7695699, 8218237, 19344236). In COL4A1 variants affecting these glycine residues are significantly enriched in individuals with disease (PMID: 9016532, 17078022) compared to the general population (ExAC). In summary, the currently available evidence indicates that the variant is pathogenic, but additional data are needed to prove that conclusively. Therefore, this variant has been classified as Likely Pathogenic.

Literature cited by the submitters: PubMed 7695699; PubMed 8218237; PubMed 19344236; PubMed 9016532; PubMed 17078022.

NM_001845.6(COL4A1):c.3415G>A (p.Gly1139Arg)

Gene: COL4A1 (collagen type IV alpha 1 chain; minus strand). Cytogenetic location: 13q34.
Variant type: single nucleotide variant.
Coding change: c.3415G>A on transcript NM_001845.6 (MANE Select); coding-DNA position 3415, G replaced by A.
Protein change: p.Gly1139Arg; replaces glycine 1139 with arginine.
Molecular consequence: missense variant.
Genome position (GRCh38, 1-based): chr13:110,173,990, C>T on the plus strand (G>A on the coding strand, the complement: COL4A1 is on the minus strand). VCF-style: chr13-110173990-C-T. GRCh37 (hg19) VCF-style: chr13-110826337-C-T.
Other names: short protein forms G1139R.
Identifiers: ClinVar variation 3687965 (VCV003687965.2).